The following is an entry in ClinVar:

ClinVar aggregate classification (germline): Conflicting classifications of pathogenicity. Review status: criteria provided, conflicting classifications (1 of 4 stars). 3 submissions from 3 submitters: Uncertain significance (2); Likely benign (1). Last evaluated 2025-12-11.

Conditions:
Inborn genetic diseases. Identifiers: MedGen C0950123, MeSH D030342.
Ornithine carbamoyltransferase deficiency (OTCD). Also called: Ornithine Carbamoyltransferase Deficiency Disease; ORNITHINE TRANSCARBAMYLASE DEFICIENCY; ORNITHINE TRANSCARBAMYLASE DEFICIENCY, HYPERAMMONEMIA DUE TO; OTC DEFICIENCY. Identifiers: Orphanet 664, MedGen C0268542, MONDO:0010703, OMIM 311250.

Allele frequency attached by ClinVar (database versions not stated): gnomAD exomes 0.00001 and 0.00003; gnomAD 0.00002; TOPMed 0.00003; ExAC 0.00005.
gnomAD v4.1: 17 of 1,172,798 alleles (0.0014%); highest among the groups gnomAD compares: Admixed American, 0.013%; no homozygotes.

Submissions (3):

Ambry Genetics
Classification: Uncertain significance for Inborn genetic diseases. Last evaluated: 2025-12-11. Review status: criteria provided, single submitter. Criteria: Ambry Variant Classification Scheme 2023. Collection method: clinical testing. Allele origin: germline.
Comment: The c.380C>T (p.T127M) alteration is located in exon 4 (coding exon 4) of the OTC gene. This alteration results from a C to T substitution at nucleotide position 380, causing the threonine (T) at amino acid position 127 to be replaced by a methionine (M). Based on data from gnomAD, the T allele has an overall frequency of 0.003% (5/182217) total alleles studied. The highest observed frequency was 0.011% (3/27319) of Latino alleles. Based on insufficient or conflicting evidence, the clinical significance of this alteration remains unclear.

Labcorp Genetics (formerly Invitae), Labcorp
Classification: Likely benign for Ornithine carbamoyltransferase deficiency. Last evaluated: 2024-12-27. Review status: criteria provided, single submitter. Criteria: Invitae Variant Classification Sherloc (09022015). Collection method: clinical testing. Allele origin: germline.

Women's Health and Genetics/Laboratory Corporation of America, LabCorp
Classification: Uncertain significance. Last evaluated: 2022-07-12. Review status: criteria provided, single submitter. Criteria: LabCorp Variant Classification Summary - May 2015. Collection method: clinical testing. Allele origin: germline.
Comment: Variant summary: OTC c.380C>T (p.Thr127Met) results in a non-conservative amino acid change located in the aspartate/ornithine carbamoyltransferase, carbamoyl-P binding domain (IPR006132) of the encoded protein sequence. Five of five in-silico tools predict a damaging effect of the variant on protein function. The variant allele was found at a frequency of 2.7e-05 in 182217 control chromosomes (gnomAD). The available data on variant occurrences in the general population are insufficient to allow any conclusion about variant significance. To our knowledge, no occurrence of c.380C>T in individuals affected with Ornithine Transcarbamylase Deficiency and no experimental evidence demonstrating its impact on protein function have been reported. One clinical diagnostic laboratory has submitted a clinical-significance assessment for this variant to ClinVar after 2014 without evidence for independent evaluation and classified the variant as likely benign. Based on the evidence outlined above, the variant was classified as uncertain significance.

NM_000531.6(OTC):c.380C>T (p.Thr127Met)

Gene: OTC (ornithine transcarbamylase; plus strand). Cytogenetic location: Xp11.4.
Variant type: single nucleotide variant.
Coding change: c.380C>T on transcript NM_000531.6 (MANE Select); coding-DNA position 380, C replaced by T.
Protein change: p.Thr127Met; replaces threonine 127 with methionine.
Molecular consequence: missense variant.
Genome position (GRCh38, 1-based): chrX:38,381,423, C>T. VCF-style: chrX-38381423-C-T. GRCh37 (hg19) VCF-style: chrX-38240676-C-T.
Other names: short protein forms T127M.
Identifiers: ClinVar variation 1575619 (VCV001575619.10), dbSNP rs762910963, ClinGen allele CA10385848.